The following is an entry in ClinVar:

ClinVar aggregate classification (germline): Conflicting classifications of pathogenicity. Review status: criteria provided, conflicting classifications (1 of 4 stars). 4 submissions from 4 submitters: Likely pathogenic (2); Uncertain significance (2). Last evaluated 2025-09-19.

Conditions:
Xeroderma pigmentosum, group D (XPD). Also called: XERODERMA PIGMENTOSUM IV; XP, GROUP D; XP, GROUP H; XERODERMA PIGMENTOSUM, COMPLEMENTATION GROUP D; ERCC2-Related Xeroderma Pigmentosum. Identifiers: MedGen C0268138, MONDO:0010212, OMIM 278730.
ERCC2-related disorder. Also called: ERCC2-related conditions; ERCC2-related condition; ERCC2-related disorders. Identifiers: MedGen CN239291.

Allele frequency attached by ClinVar (database versions not stated): ExAC 0.00001; gnomAD 0.00002 and 0.00003; gnomAD exomes 0.00002 and 0.00006; TOPMed 0.00003; 1000 Genomes Project 30x 0.00016; 1000 Genomes Project 0.00020.

Submissions (4):

Myriad Genetics, Inc.
Classification: Uncertain significance for ERCC2-related disorder. Last evaluated: 2025-09-19. Review status: criteria provided, single submitter. Criteria: Myriad Autosomal Dominant, Autosomal Recessive and X-Linked Classification Criteria (2023). Collection method: clinical testing. Allele origin: unknown.
Comment: NM_000400.3(ERCC2):c.1726G>A(E576K) is a missense variant classified as a variant of uncertain significance in the context of ERCC2-related disorders. E576K has been observed in cases with relevant disease (PMID: 35699229). Relevant functional assessments of this variant are not available in the literature. E576K has been observed in referenced population frequency databases. In summary, there is insufficient evidence to classify NM_000400.3(ERCC2):c.1726G>A(E576K) as pathogenic or benign. Please note: this variant was assessed in the context of healthy population screening.

CeGaT Center for Human Genetics Tuebingen
Classification: Likely pathogenic. Last evaluated: 2024-11-01. Review status: criteria provided, single submitter. Criteria: CeGaT Center For Human Genetics Tuebingen Variant Classification Criteria Version 2. Collection method: clinical testing. Allele origin: germline. Affected: yes. Observed: 1 variant allele.
Comment: ERCC2: PM3:Strong, PM2, PP3, PS3:Supporting

Institute of Medical Genetics and Applied Genomics, University Hospital Tübingen
Classification: Likely pathogenic for Xeroderma pigmentosum, group D. Last evaluated: 2024-06-25. Review status: criteria provided, single submitter. Criteria: ACMG Guidelines, 2015. Collection method: clinical testing. Allele origin: germline. Inheritance: Autosomal recessive inheritance. Affected: yes.

GeneDx
Classification: Uncertain significance. Last evaluated: 2020-01-03. Review status: criteria provided, single submitter. Criteria: GeneDx Variant Classification Process June 2021. Collection method: clinical testing. Allele origin: germline. Affected: yes.
Comment: In silico analysis, which includes protein predictors and evolutionary conservation, supports a deleterious effect; Has not been previously reported as a pathogenic or benign germline variant to our knowledge; This variant is associated with the following publications: (PMID: 27085493)

Literature cited by the submitters: PubMed 35699229 (cited by Myriad Genetics, Inc.).

NM_000400.4(ERCC2):c.1726G>A (p.Glu576Lys)

Gene: ERCC2 (ERCC excision repair 2, TFIIH core complex helicase subunit; minus strand). Cytogenetic location: 19q13.32.
Variant type: single nucleotide variant.
Coding change: c.1726G>A on transcript NM_000400.4 (MANE Select); coding-DNA position 1726, G replaced by A.
Protein change: p.Glu576Lys; replaces glutamic acid 576 with lysine.
Molecular consequence: missense variant.
Genome position (GRCh38, 1-based): chr19:45,353,274, C>T on the plus strand (G>A on the coding strand, the complement: ERCC2 is on the minus strand). VCF-style: chr19-45353274-C-T. GRCh37 (hg19) VCF-style: chr19-45856532-C-T.
Other names: short protein forms E576K.
Identifiers: ClinVar variation 1311063 (VCV001311063.17), dbSNP rs201165309, ClinGen allele CA9513133.